The following is an entry in ClinVar:

ClinVar aggregate classification (germline): Uncertain significance (1 of 4 stars; one submission).

Conditions:
Hereditary cancer-predisposing syndrome. Also called: Neoplastic Syndromes, Hereditary; Tumor predisposition; Hereditary Cancer Syndrome; Hereditary neoplastic syndrome. Identifiers: Orphanet 140162, MedGen C0027672, MeSH D009386, MONDO:0015356.

Submission:

Ambry Genetics
Classification: Uncertain significance for Hereditary cancer-predisposing syndrome. Last evaluated: 2026-03-23. Review status: criteria provided, single submitter. Criteria: Ambry Variant Classification Scheme 2023. Collection method: clinical testing. Allele origin: germline.
Comment: The p.I18M variant (also known as c.54T>G), located in coding exon 1 of the CDC73 gene, results from a T to G substitution at nucleotide position 54. The isoleucine at codon 18 is replaced by methionine, an amino acid with highly similar properties. This amino acid position is conserved. In addition, this alteration is predicted to be tolerated by in silico analysis. Based on the available evidence, the clinical significance of this variant remains unclear.

NM_024529.5(CDC73):c.54T>G (p.Ile18Met)

Gene: CDC73 (cell division cycle 73; plus strand). Cytogenetic location: 1q31.2.
Variant type: single nucleotide variant.
Coding change: c.54T>G on transcript NM_024529.5 (MANE Select); coding-DNA position 54, T replaced by G.
Protein change: p.Ile18Met; replaces isoleucine 18 with methionine.
Molecular consequence: missense variant.
Genome position (GRCh38, 1-based): chr1:193,122,254, T>G. VCF-style: chr1-193122254-T-G. GRCh37 (hg19) VCF-style: chr1-193091384-T-G.
Other names: short protein forms I18M.
Identifiers: ClinVar variation 4868351 (VCV004868351.1).
Genomic context (GRCh38, chr1:193,122,254, plus strand): 5'-GGGGAAGATGGCGGACGTGCTTAGCGTCCTGCGACAGTACAACATCCAGAAGAAGGAGAT[T>G]GTGGTGAAGGGAGACGAAGTGATCTTCGGGGAGTTCTCCTGGCCCAAGAATGTGAAGACC-3'
Protein context (NP_078805.3, residues 8-28): LRQYNIQKKE[Ile18Met]VVKGDEVIFG